The following is an entry in ClinVar:

ClinVar aggregate classification (germline): Uncertain significance (1 of 4 stars; one submission).

Conditions:
Myofibrillar myopathy 4. Also called: Zaspopathy (type). Identifiers: Orphanet 98912, MedGen C4721886, MONDO:0012277, OMIM 609452.

gnomAD v4.1: 21 of 1,614,118 alleles (0.0013%); highest among the groups gnomAD compares: South Asian, 0.0022%; no homozygotes.

Submission:

Labcorp Genetics (formerly Invitae), Labcorp
Classification: Uncertain significance for Myofibrillar myopathy 4. Last evaluated: 2024-10-07. Review status: criteria provided, single submitter. Criteria: Invitae Variant Classification Sherloc (09022015). Collection method: clinical testing. Allele origin: germline.
Comment: The LDB3 gene has multiple clinically relevant transcripts. This variant occurs in alternate transcript NM_007078.3, and corresponds to NM_001080116.1:c.*18615C>T in the primary transcript. This sequence change replaces arginine, which is basic and polar, with cysteine, which is neutral and slightly polar, at codon 568 of the LDB3 protein (p.Arg568Cys). This variant is not present in population databases (gnomAD no frequency). This variant has not been reported in the literature in individuals affected with LDB3-related conditions. Experimental studies and prediction algorithms are not available or were not evaluated, and the functional significance of this variant is currently unknown. In summary, the available evidence is currently insufficient to determine the role of this variant in disease. Therefore, it has been classified as a Variant of Uncertain Significance.

NM_007078.3(LDB3):c.1702C>T (p.Arg568Cys)

Gene: LDB3 (LIM domain binding 3; plus strand). Cytogenetic location: 10q23.2.
Variant type: single nucleotide variant.
Coding change: c.1702C>T on transcript NM_007078.3 (MANE Select); coding-DNA position 1702, C replaced by T.
Protein change: p.Arg568Cys; replaces arginine 568 with cysteine.
Molecular consequence: missense variant.
Genome position (GRCh38, 1-based): chr10:86,717,989, C>T. VCF-style: chr10-86717989-C-T. GRCh37 (hg19) VCF-style: chr10-88477746-C-T.
Other names: c.1372C>T, p.Arg458Cys (NM_001080114.2); c.1717C>T, p.Arg573Cys (NM_001171610.2); c.1513C>T, p.Arg505Cys (NM_001368064.1, NM_001368065.1); c.1561C>T, p.Arg521Cys (NM_001368066.1); short protein forms R458C, R521C, R573C, R568C, R505C.
Identifiers: ClinVar variation 2048806 (VCV002048806.4), dbSNP rs920461832, ClinGen allele CA211209124.
Genomic context (GRCh38, chr10:86,717,989, plus strand): 5'-GCTGCCTTACTGGGTGCCATTCTGTGCTTCCCCAGGGGCCCATTTCTGGTAGCCATGGGC[C>T]GTTCTTGGCACCCTGAAGAGTTCACCTGTGCCTACTGCAAGACTTCCCTGGCAGATGTGT-3'
Protein context (NP_009009.1, residues 558-578): IRGPFLVAMG[Arg568Cys]SWHPEEFTCA